The following is an entry in ClinVar:

NM_015271.5(TRIM2):c.982T>A (p.Phe328Ile)

Gene: TRIM2 (tripartite motif containing 2; plus strand). Cytogenetic location: 4q31.3.
Variant type: single nucleotide variant.
Coding change: c.982T>A on transcript NM_015271.5 (MANE Select); coding-DNA position 982, T replaced by A.
Protein change: p.Phe328Ile; replaces phenylalanine 328 with isoleucine.
Molecular consequence: missense variant.
Genome position (GRCh38, 1-based): chr4:153,295,508, T>A. VCF-style: chr4-153295508-T-A. GRCh37 (hg19) VCF-style: chr4-154216660-T-A.
Other names: c.901T>A, p.Phe301Ile (NM_001130067.2, NM_001351056.2, NM_001375512.1 and 5 more transcripts); c.955T>A, p.Phe319Ile (NM_001351054.2); c.952T>A, p.Phe318Ile (NM_001351055.2); c.526T>A, p.Phe176Ile (NM_001351057.2); c.1075T>A, p.Phe359Ile (NM_001375488.1); c.1072T>A, p.Phe358Ile (NM_001375489.1); c.925T>A, p.Phe309Ile (NM_001375490.1); c.922T>A, p.Phe308Ile (NM_001375491.1); and 3 more; short protein forms F176I, F308I, F309I, F215I, F318I, F328I, F216I, F301I.
Identifiers: ClinVar variation 3705173 (VCV003705173.2).
Genomic context (GRCh38, chr4:153,295,508, plus strand): 5'-CTGAACGAGCTGGCCGACCAGGACTTCCCCTTGCACCCGCGGGAGAACGACCAGCTGGAT[T>A]TCATCGTGGAAACCGAGGGGCTGAAGAAGTCCATCCACAACCTCGGGACGATCTTAACCA-3'
Protein context (NP_056086.2, residues 318-338): LHPRENDQLD[Phe328Ile]IVETEGLKKS

ClinVar aggregate classification (germline): Uncertain significance (1 of 4 stars; one submission).

Conditions:
Charcot-Marie-Tooth disease type 2R. Also called: Charcot-Marie-Tooth disease, axonal, type 2R; CHARCOT-MARIE-TOOTH DISEASE, AXONAL, AUTOSOMAL RECESSIVE, TYPE 2R; CHARCOT-MARIE-TOOTH NEUROPATHY, TYPE 2R. Identifiers: Orphanet 397968, MedGen C3809655, MONDO:0014208, OMIM 615490.

Submission:

Labcorp Genetics (formerly Invitae), Labcorp
Classification: Uncertain significance for Charcot-Marie-Tooth disease type 2R. Last evaluated: 2024-05-04. Review status: criteria provided, single submitter. Criteria: Invitae Variant Classification Sherloc (09022015). Collection method: clinical testing. Allele origin: germline.
Comment: This sequence change replaces phenylalanine, which is neutral and non-polar, with isoleucine, which is neutral and non-polar, at codon 301 of the TRIM2 protein (p.Phe301Ile). This variant is not present in population databases (gnomAD no frequency). This variant has not been reported in the literature in individuals affected with TRIM2-related conditions. An algorithm developed to predict the effect of missense changes on protein structure and function (PolyPhen-2) suggests that this variant is likely to be tolerated. In summary, the available evidence is currently insufficient to determine the role of this variant in disease. Therefore, it has been classified as a Variant of Uncertain Significance.